The following is an entry in ClinVar:

NM_015978.3(TNNI3K):c.2361A>T (p.Gln787His)

Genes: FPGT-TNNI3K (FPGT-TNNI3K readthrough; plus strand), TNNI3K (TNNI3 interacting kinase; plus strand). Cytogenetic location: 1p31.1.
Variant type: single nucleotide variant.
Coding change: c.2361A>T on transcript NM_015978.3 (MANE Select); coding-DNA position 2361, A replaced by T.
Protein change: p.Gln787His; replaces glutamine 787 with histidine.
Molecular consequence: missense variant.
Genome position (GRCh38, 1-based): chr1:74,540,243, A>T. VCF-style: chr1-74540243-A-T. GRCh37 (hg19) VCF-style: chr1-75005927-A-T.
Other names: c.2664A>T, p.Gln888His (NM_001112808.3); short protein forms Q787H, Q888H.
Identifiers: ClinVar variation 4778568 (VCV004778568.1).

ClinVar aggregate classification (germline): Uncertain significance (1 of 4 stars; one submission).

gnomAD v4.1: 6 of 1,612,294 alleles (0.00037%); highest among the groups gnomAD compares: Non-Finnish European, 0.00051%; no homozygotes.

Submission:

Labcorp Genetics (formerly Invitae), Labcorp
Classification: Uncertain significance. Last evaluated: 2025-08-03. Review status: criteria provided, single submitter. Criteria: Invitae Variant Classification Sherloc (09022015). Collection method: clinical testing. Allele origin: germline.
Comment: This sequence change replaces glutamine, which is neutral and polar, with histidine, which is basic and polar, at codon 787 of the TNNI3K protein (p.Gln787His). This variant is not present in population databases (gnomAD no frequency). This variant has not been reported in the literature in individuals affected with TNNI3K-related conditions. An algorithm developed to predict the effect of missense changes on protein structure and function (PolyPhen-2) suggests that this variant is likely to be tolerated. In summary, the available evidence is currently insufficient to determine the role of this variant in disease. Therefore, it has been classified as a Variant of Uncertain Significance.